The following is an entry in ClinVar:

ClinVar aggregate classification (germline): Uncertain significance (1 of 4 stars; one submission).

Submission:

Ambry Genetics
Classification: Uncertain significance. Last evaluated: 2024-09-01. Review status: criteria provided, single submitter. Criteria: Ambry Variant Classification Scheme 2023. Collection method: clinical testing. Allele origin: germline.
Comment: The p.K1218E variant (also known as c.3652A>G), located in coding exon 17 of the NPAT gene, results from an A to G substitution at nucleotide position 3652. The lysine at codon 1218 is replaced by glutamic acid, an amino acid with similar properties. This amino acid position is conserved. In addition, this alteration is predicted to be tolerated by in silico analysis. Based on the available evidence, the clinical significance of this variant remains unclear.

NM_002519.3(NPAT):c.3652A>G (p.Lys1218Glu)

Gene: NPAT (nuclear protein, coactivator of histone transcription; minus strand). Cytogenetic location: 11q22.3.
Variant type: single nucleotide variant.
Coding change: c.3652A>G on transcript NM_002519.3 (MANE Select); coding-DNA position 3652, A replaced by G.
Protein change: p.Lys1218Glu; replaces lysine 1218 with glutamic acid.
Molecular consequence: missense variant.
Genome position (GRCh38, 1-based): chr11:108,161,434, T>C on the plus strand (A>G on the coding strand, the complement: NPAT is on the minus strand). VCF-style: chr11-108161434-T-C. GRCh37 (hg19) VCF-style: chr11-108032161-T-C.
Other names: c.3673A>G, p.Lys1225Glu (NM_001321307.1); short protein forms K1218E, K1225E.
Identifiers: ClinVar variation 3407202 (VCV003407202.1).